The following is an entry in ClinVar:

NM_207034.3(EDN3):c.162C>T (p.Gly54=)

Gene: EDN3 (endothelin 3; plus strand). Cytogenetic location: 20q13.32.
Variant type: single nucleotide variant.
Coding change: c.162C>T on transcript NM_207034.3 (MANE Select); coding-DNA position 162, C replaced by T.
Protein change: p.Gly54=; no amino-acid change (glycine 54 retained).
Molecular consequence: synonymous variant.
Genome position (GRCh38, 1-based): chr20:59,301,519, C>T. VCF-style: chr20-59301519-C-T. GRCh37 (hg19) VCF-style: chr20-57876574-C-T.
Other names: c.162C>T, p.Gly54= (NM_001302455.2, NM_001302456.2, NM_207032.3 and 1 more transcripts).
Identifiers: ClinVar variation 1307799 (VCV001307799.2), dbSNP rs1989024948, ClinGen allele CA511341995.

ClinVar aggregate classification (germline): Uncertain significance (1 of 4 stars; one submission).

gnomAD v4.1: 1 of 1,612,744 alleles (0.000062%); highest among the groups gnomAD compares: Non-Finnish European, 0.000085%; no homozygotes.

Submission:

GeneDx
Classification: Uncertain significance. Last evaluated: 2019-08-14. Review status: criteria provided, single submitter. Criteria: GeneDx Variant Classification Process June 2021. Collection method: clinical testing. Allele origin: germline. Affected: yes.
Comment: Not observed in large population cohorts (Lek et al., 2016); In silico analysis, which includes splice predictors and evolutionary conservation, supports a deleterious effect; Has not been previously published as pathogenic or benign to our knowledge